The following is an entry in ClinVar:

NM_024675.4(PALB2):c.140C>T (p.Ser47Phe)

Gene: PALB2 (partner and localizer of BRCA2; minus strand). Cytogenetic location: 16p12.2.
Variant type: single nucleotide variant.
Coding change: c.140C>T on transcript NM_024675.4 (MANE Select); coding-DNA position 140, C replaced by T.
Protein change: p.Ser47Phe; replaces serine 47 with phenylalanine.
Molecular consequence: missense variant. On other transcripts: 5 prime UTR variant (8), intron variant (3).
Genome position (GRCh38, 1-based): chr16:23,637,921, G>A on the plus strand (C>T on the coding strand, the complement: PALB2 is on the minus strand). VCF-style: chr16-23637921-G-A. GRCh37 (hg19) VCF-style: chr16-23649242-G-A.
Other names: c.80C>T, p.Ser27Phe (NM_001407296.1); c.140C>T, p.Ser47Phe (NM_001407297.1, NM_001407298.1, NM_001407299.1 and 3 more transcripts); c.-746C>T (NM_001407304.1, NM_001407305.1, NM_001407306.1 and 5 more transcripts); c.48+3189C>T (NM_001407314.1); c.-105+3189C>T (NM_001407313.1, NM_001407312.1); short protein forms S47F, S27F.
Identifiers: ClinVar variation 3695580 (VCV003695580.2).

ClinVar aggregate classification (germline): Uncertain significance (1 of 4 stars; one submission).

Conditions:
Familial cancer of breast. Also called: hereditary breast carcinoma; BREAST CANCER, FAMILIAL; Hereditary breast cancer. Identifiers: Orphanet 227535, MedGen C0346153, MONDO:0016419, OMIM 114480. Disease mechanism: loss of function.

Submission:

Labcorp Genetics (formerly Invitae), Labcorp
Classification: Uncertain significance for Familial cancer of breast. Last evaluated: 2024-03-17. Review status: criteria provided, single submitter. Criteria: Invitae Variant Classification Sherloc (09022015). Collection method: clinical testing. Allele origin: germline.
Comment: This sequence change replaces serine, which is neutral and polar, with phenylalanine, which is neutral and non-polar, at codon 47 of the PALB2 protein (p.Ser47Phe). This variant is not present in population databases (gnomAD no frequency). This variant has not been reported in the literature in individuals affected with PALB2-related conditions. Algorithms developed to predict the effect of missense changes on protein structure and function output the following: SIFT: "Not Available"; PolyPhen-2: "Benign"; Align-GVGD: "Not Available". The phenylalanine amino acid residue is found in multiple mammalian species, which suggests that this missense change does not adversely affect protein function. In summary, the available evidence is currently insufficient to determine the role of this variant in disease. Therefore, it has been classified as a Variant of Uncertain Significance.